The following is an entry in ClinVar:

NM_000501.4(ELN):c.469+3G>A

Gene: ELN (elastin; plus strand). Cytogenetic location: 7q11.23.
Variant type: single nucleotide variant.
Coding change: c.469+3G>A on transcript NM_000501.4 (MANE Select); 3 bases into the intron after coding-DNA position 469, G replaced by A.
Molecular consequence: intron variant.
Genome position (GRCh38, 1-based): chr7:74,043,923, G>A. VCF-style: chr7-74043923-G-A. GRCh37 (hg19) VCF-style: chr7-73458253-G-A.
Other names: c.484+3G>A (NM_001081754.3, NM_001081753.3); c.469+3G>A (NM_001278939.2, NM_001278915.2, NM_001278912.2 and 2 more transcripts); c.433+3G>A (NM_001278913.2); c.454+3G>A (NM_001278914.2); c.439+3G>A (NM_001278917.2, NM_001081752.3, NM_001278918.2).
Identifiers: ClinVar variation 2733516 (VCV002733516.3), dbSNP rs1791850964, ClinGen allele CA1717339536.

ClinVar aggregate classification (germline): Uncertain significance (1 of 4 stars; one submission).

Conditions:
Supravalvar aortic stenosis (SVAS). Also called: Supravalvar aortic stenosis, Eisenberg type. Identifiers: Orphanet 3193, MedGen C0003499, MONDO:0008504, OMIM 185500, HP:0004381.

Allele frequency attached by ClinVar (database versions not stated): TOPMed below 0.00001.

Submission:

Labcorp Genetics (formerly Invitae), Labcorp
Classification: Uncertain significance for Supravalvar aortic stenosis. Last evaluated: 2023-12-02. Review status: criteria provided, single submitter. Criteria: Invitae Variant Classification Sherloc (09022015). Collection method: clinical testing. Allele origin: germline.
Comment: This sequence change falls in intron 9 of the ELN gene. It does not directly change the encoded amino acid sequence of the ELN protein. It affects a nucleotide within the consensus splice site. This variant is not present in population databases (gnomAD no frequency). This variant has not been reported in the literature in individuals affected with ELN-related conditions. Variants that disrupt the consensus splice site are a relatively common cause of aberrant splicing (PMID: 17576681, 9536098). Algorithms developed to predict the effect of sequence changes on RNA splicing suggest that this variant is not likely to affect RNA splicing. In summary, the available evidence is currently insufficient to determine the role of this variant in disease. Therefore, it has been classified as a Variant of Uncertain Significance.

Literature cited by the submitters: PubMed 17576681; PubMed 9536098.